The following is an entry in ClinVar:

ClinVar aggregate classification (germline): Uncertain significance. Review status: criteria provided, multiple submitters, no conflicts (2 of 4 stars). 2 submissions from 2 submitters: Uncertain significance (2). Last evaluated 2024-12-09.

Conditions:
Inborn genetic diseases. Identifiers: MedGen C0950123, MeSH D030342.

Allele frequency attached by ClinVar (database versions not stated): gnomAD exomes 0.00001 and 0.00002; ExAC 0.00004; gnomAD 0.00006; TOPMed 0.00007; ESP Exome Variant Server 0.00008.
gnomAD v4.1: 14 of 1,613,574 alleles (0.00087%); highest among the groups gnomAD compares: African/African-American, 0.019%; no homozygotes.

Submissions (2):

Labcorp Genetics (formerly Invitae), Labcorp
Classification: Uncertain significance. Last evaluated: 2024-12-09. Review status: criteria provided, single submitter. Criteria: Invitae Variant Classification Sherloc (09022015). Collection method: clinical testing. Allele origin: germline.
Comment: This sequence change replaces glutamic acid, which is acidic and polar, with aspartic acid, which is acidic and polar, at codon 677 of the C6 protein (p.Glu677Asp). This variant is present in population databases (rs147228419, gnomAD 0.03%). This variant has not been reported in the literature in individuals affected with C6-related conditions. ClinVar contains an entry for this variant (Variation ID: 1409732). An algorithm developed to predict the effect of missense changes on protein structure and function (PolyPhen-2) suggests that this variant is likely to be tolerated. In summary, the available evidence is currently insufficient to determine the role of this variant in disease. Therefore, it has been classified as a Variant of Uncertain Significance.

Ambry Genetics
Classification: Uncertain significance for Inborn genetic diseases. Last evaluated: 2021-08-09. Review status: criteria provided, single submitter. Criteria: Ambry Variant Classification Scheme 2023. Collection method: clinical testing. Allele origin: germline.

NM_000065.5(C6):c.2031A>C (p.Glu677Asp)

Gene: C6 (complement C6; minus strand). Cytogenetic location: 5p13.1.
Variant type: single nucleotide variant.
Coding change: c.2031A>C on transcript NM_000065.5 (MANE Select); coding-DNA position 2031, A replaced by C.
Protein change: p.Glu677Asp; replaces glutamic acid 677 with aspartic acid.
Molecular consequence: missense variant.
Genome position (GRCh38, 1-based): chr5:41,155,042, T>G on the plus strand (A>C on the coding strand, the complement: C6 is on the minus strand). VCF-style: chr5-41155042-T-G. GRCh37 (hg19) VCF-style: chr5-41155144-T-G.
Other names: c.2031A>C, p.Glu677Asp (NM_001115131.4); c.2031A>C (NM_000065.2); short protein forms E677D.
Identifiers: ClinVar variation 1409732 (VCV001409732.9), dbSNP rs147228419, ClinGen allele CA3252234.